The following is an entry in ClinVar:

ClinVar aggregate classification (germline): Benign (0 of 4 stars; one submission).

Conditions:
CACNA1I-related disorder. Also called: CACNA1I-related condition.

Allele frequency attached by ClinVar (database versions not stated): TOPMed 0.00003; gnomAD 0.00007; gnomAD exomes 0.00016; ExAC 0.00042; 1000 Genomes Project 30x 0.00047; 1000 Genomes Project 0.00060.
gnomAD v4.1: 241 of 1,613,366 alleles (0.015%); highest among the groups gnomAD compares: South Asian, 0.24%; 3 homozygotes.

Submission:

PreventionGenetics, part of Exact Sciences
Classification: Benign for CACNA1I-related condition. Last evaluated: 2019-02-28. Review status: no assertion criteria provided. Collection method: clinical testing. Allele origin: germline.
Comment: This variant is classified as benign based on ACMG/AMP sequence variant interpretation guidelines (Richards et al. 2015 PMID: 25741868, with internal and published modifications).

NM_021096.4(CACNA1I):c.5853G>A (p.Pro1951=)

Gene: CACNA1I (calcium voltage-gated channel subunit alpha1 I; plus strand). Cytogenetic location: 22q13.1.
Variant type: single nucleotide variant.
Coding change: c.5853G>A on transcript NM_021096.4 (MANE Select); coding-DNA position 5853, G replaced by A.
Protein change: p.Pro1951=; no amino-acid change (proline 1951 retained).
Molecular consequence: synonymous variant.
Genome position (GRCh38, 1-based): chr22:39,684,324, G>A. VCF-style: chr22-39684324-G-A. GRCh37 (hg19) VCF-style: chr22-40080329-G-A.
Other names: c.5748G>A, p.Pro1916= (NM_001003406.2).
Identifiers: ClinVar variation 3047945 (VCV003047945.2), dbSNP rs573212865, ClinGen allele CA10245141.
Genomic context (GRCh38, chr22:39,684,324, plus strand): 5'-GCGTGCTCCCTCAGCTCTGTCTTCTCCTTTCCCAGCAGCACCCCCAAGTCCCTTCTCCCC[G>A]GATGCCTCCAGCCCTCTCCTGCCCATGCCAGCCGAGTTCTTCCACCCTGCAGTGTCTGCC-3'
Protein context (NP_066919.2, residues 1941-1961): SSQAPPSPFS[Pro1951=]DASSPLLPMP